The following is an entry in ClinVar:

NM_000053.4(ATP7B):c.4187C>T (p.Thr1396Met)

Gene: ATP7B (ATPase copper transporting beta; minus strand). Cytogenetic location: 13q14.3.
Variant type: single nucleotide variant.
Coding change: c.4187C>T on transcript NM_000053.4 (MANE Select); coding-DNA position 4187, C replaced by T.
Protein change: p.Thr1396Met; replaces threonine 1396 with methionine.
Molecular consequence: missense variant.
Genome position (GRCh38, 1-based): chr13:51,934,967, G>A on the plus strand (C>T on the coding strand, the complement: ATP7B is on the minus strand). VCF-style: chr13-51934967-G-A. GRCh37 (hg19) VCF-style: chr13-52509103-G-A.
Other names: c.3566C>T, p.Thr1189Met (NM_001005918.3); c.3854C>T, p.Thr1285Met (NM_001243182.2); c.3953C>T, p.Thr1318Met (NM_001330578.2, NM_001406527.1, NM_001406528.1); c.3935C>T, p.Thr1312Met (NM_001330579.2, NM_001406531.1, NM_001406532.1); c.4187C>T, p.Thr1396Met (NM_001406511.1, NM_001406512.1); c.4181C>T, p.Thr1394Met (NM_001406513.1); c.4154C>T, p.Thr1385Met (NM_001406514.1); c.4133C>T, p.Thr1378Met (NM_001406515.1, NM_001406516.1); and 22 more; short protein forms T1115M, T1169M, T1180M, T1189M, T1202M, T1232M, T1234M, T1247M.
Identifiers: ClinVar variation 2414505 (VCV002414505.9), dbSNP rs528603867, ClinGen allele CA250071700.
Genomic context (GRCh38, chr13:51,934,967, plus strand): 5'-GCCCTGGGGGAGTCCCGCCACCTGTCATCCATGCCTATGTGCACACTGACCTGGGATGCC[G>A]TCAGGGGCTTCATGTGGCCATGCGCCTGTGCCTCATACCTCTCCAGGTCAGGCTTCTTAT-3'
Protein context (NP_000044.2, residues 1386-1406): AQAHGHMKPL[Thr1396Met]ASQVSVHIGM

ClinVar aggregate classification (germline): Uncertain significance. Review status: criteria provided, multiple submitters, no conflicts (2 of 4 stars). 6 submissions from 6 submitters: Uncertain significance (6). Last evaluated 2025-12-29.

Conditions:
Wilson disease (WND). Also called: Wilson's disease. Identifiers: Orphanet 905, MedGen C0019202, MONDO:0010200, OMIM 277900. Disease mechanism: loss of function.
ATP7B-related disorder. Also called: ATP7B-related condition.

Allele frequency attached by ClinVar (database versions not stated): gnomAD 0.00007; TOPMed 0.00009.
gnomAD v4.1: 30 of 1,614,048 alleles (0.0019%); highest among the groups gnomAD compares: East Asian, 0.018%; no homozygotes.

Submissions (6):

PreventionGenetics, part of Exact Sciences
Classification: Uncertain significance for ATP7B-related condition. Last evaluated: 2025-12-29. Review status: criteria provided, single submitter. Criteria: ACMG Guidelines, 2015. Collection method: clinical testing. Allele origin: germline.
Comment: The ATP7B c.4187C>T variant is predicted to result in the amino acid substitution p.Thr1396Met. To our knowledge, this variant has not been reported in the literature in individuals with Wilson disease. This variant is reported in 0.031% of alleles in individuals of East Asian descent in gnomAD. At this time, the clinical significance of this variant is uncertain due to the absence of conclusive functional and genetic evidence.

All of Us Research Program, National Institutes of Health
Classification: Uncertain significance for Wilson disease. Last evaluated: 2024-07-29. Review status: criteria provided, single submitter. Criteria: ACMG Guidelines, 2015. Collection method: clinical testing. Allele origin: germline. Inheritance: Autosomal recessive inheritance. Observed: 9 variant alleles, 9 heterozygotes.
Comment: This missense variant replaces threonine with methionine at codon 1396 of the ATP7B protein. Computational prediction suggests that this variant may not impact protein structure and function (internally defined REVEL score threshold <= 0.5, PMID: 27666373). To our knowledge, functional studies have not been reported for this variant. This variant has not been reported in individuals affected with Wilson disease in the literature. This variant has been identified in 8/278940 chromosomes in the general population by the Genome Aggregation Database (gnomAD). The available evidence is insufficient to determine the role of this variant in disease conclusively. Therefore, this variant is classified as a Variant of Uncertain Significance.

This study involves interpretation of variants in research participants for the purpose of population health screening. Participant phenotype was not available at the time of variant classification. Additional details can be found in publication PMID: 35346344, PMCID: PMC8962531

Fulgent Genetics
Classification: Uncertain significance for Wilson disease. Last evaluated: 2024-04-03. Review status: criteria provided, single submitter. Criteria: ACMG Guidelines, 2015. Collection method: clinical testing. Allele origin: germline.

Labcorp Genetics (formerly Invitae), Labcorp
Classification: Uncertain significance for Wilson disease. Last evaluated: 2024-01-16. Review status: criteria provided, single submitter. Criteria: Invitae Variant Classification Sherloc (09022015). Collection method: clinical testing. Allele origin: germline.
Comment: This sequence change replaces threonine, which is neutral and polar, with methionine, which is neutral and non-polar, at codon 1396 of the ATP7B protein (p.Thr1396Met). This variant is present in population databases (rs528603867, gnomAD 0.03%). This variant has not been reported in the literature in individuals affected with ATP7B-related conditions. ClinVar contains an entry for this variant (Variation ID: 2414505). Advanced modeling of protein sequence and biophysical properties (such as structural, functional, and spatial information, amino acid conservation, physicochemical variation, residue mobility, and thermodynamic stability) performed at Invitae indicates that this missense variant is not expected to disrupt ATP7B protein function with a negative predictive value of 80%. In summary, the available evidence is currently insufficient to determine the role of this variant in disease. Therefore, it has been classified as a Variant of Uncertain Significance.

Blueprint Genetics
Classification: Uncertain significance. Last evaluated: 2023-09-27. Review status: criteria provided, single submitter. Criteria: ACMG Guidelines, 2015. Collection method: clinical testing. Allele origin: germline.

Color Diagnostics, LLC DBA Color Health
Classification: Uncertain significance for Wilson disease. Last evaluated: 2022-05-20. Review status: criteria provided, single submitter. Criteria: ACMG Guidelines, 2015. Collection method: clinical testing. Allele origin: germline.
Comment: This missense variant replaces threonine with methionine at codon 1396 of the ATP7B protein. Computational prediction suggests that this variant may not impact protein structure and function. To our knowledge, functional studies have not been reported for this variant. This variant has not been reported in individuals affected with Wilson disease in the literature. This variant has been identified in 8/278940 chromosomes in the general population by the Genome Aggregation Database (gnomAD). The available evidence is insufficient to determine the role of this variant in disease conclusively. Therefore, this variant is classified as a Variant of Uncertain Significance.